The following is an entry in ClinVar:

NM_001291303.3(FAT4):c.8315C>A (p.Ala2772Asp)

Gene: FAT4 (FAT atypical cadherin 4; plus strand). Cytogenetic location: 4q28.1.
Variant type: single nucleotide variant.
Coding change: c.8315C>A on transcript NM_001291303.3 (MANE Select); coding-DNA position 8315, C replaced by A.
Protein change: p.Ala2772Asp; replaces alanine 2772 with aspartic acid.
Molecular consequence: missense variant.
Genome position (GRCh38, 1-based): chr4:125,449,325, C>A. VCF-style: chr4-125449325-C-A. GRCh37 (hg19) VCF-style: chr4-126370480-C-A.
Other names: c.8315C>A, p.Ala2772Asp (NM_001291285.3); c.8309C>A, p.Ala2770Asp (NM_024582.6); short protein forms A2770D, A2772D.
Identifiers: ClinVar variation 3025954 (VCV003025954.22), dbSNP rs2530895235, ClinGen allele CA358145780.
Genomic context (GRCh38, chr4:125,449,325, plus strand): 5'-CCCCGTCTCAGAGTACTTCAGTAAAAGTCATGATTAACATTTTAGATGAAAATGATAATG[C>A]CCCTAGGTTTTCTCAGATATTTAGTGCCCATGTTCCTGAAAATTCCCCCTTAGGATACAC-3'
Protein context (NP_001278232.1, residues 2762-2782): MINILDENDN[Ala2772Asp]PRFSQIFSAH

ClinVar aggregate classification (germline): Uncertain significance (1 of 4 stars; one submission).

Submission:

CeGaT Center for Human Genetics Tuebingen
Classification: Uncertain significance. Last evaluated: 2024-02-01. Review status: criteria provided, single submitter. Criteria: CeGaT Center For Human Genetics Tuebingen Variant Classification Criteria Version 2. Collection method: clinical testing. Allele origin: germline. Affected: yes. Observed: 1 variant allele.
Comment: FAT4: PM2